The following is an entry in ClinVar:

NM_001378454.1(ALMS1):c.3799G>C (p.Val1267Leu)

Gene: ALMS1 (ALMS1 centrosome and basal body associated protein; plus strand). Cytogenetic location: 2p13.1.
Variant type: single nucleotide variant.
Coding change: c.3799G>C on transcript NM_001378454.1 (MANE Select); coding-DNA position 3799, G replaced by C.
Protein change: p.Val1267Leu; replaces valine 1267 with leucine.
Molecular consequence: missense variant.
Genome position (GRCh38, 1-based): chr2:73,450,326, G>C. VCF-style: chr2-73450326-G-C. GRCh37 (hg19) VCF-style: chr2-73677453-G-C.
Other names: c.3802G>C, p.Val1268Leu (NM_015120.4); short protein forms V1268L, V1267L.
Identifiers: ClinVar variation 2200224 (VCV002200224.3), dbSNP rs770278707, ClinGen allele CA1713593.

ClinVar aggregate classification (germline): Uncertain significance (1 of 4 stars; one submission).

Conditions:
Alstrom syndrome (ALMS). Identifiers: Orphanet 64, MedGen C0268425, MONDO:0008763, OMIM 203800.

Allele frequency attached by ClinVar (database versions not stated): ExAC 0.00001.
gnomAD v4.1: 10 of 1,613,100 alleles (0.00062%); highest among the groups gnomAD compares: South Asian, 0.0088%; no homozygotes.

Submission:

Labcorp Genetics (formerly Invitae), Labcorp
Classification: Uncertain significance for Alstrom syndrome. Last evaluated: 2025-08-24. Review status: criteria provided, single submitter. Criteria: Invitae Variant Classification Sherloc (09022015). Collection method: clinical testing. Allele origin: germline.
Comment: This sequence change replaces valine, which is neutral and non-polar, with leucine, which is neutral and non-polar, at codon 1268 of the ALMS1 protein (p.Val1268Leu). This variant is present in population databases (rs770278707, gnomAD 0.004%). This variant has not been reported in the literature in individuals affected with ALMS1-related conditions. ClinVar contains an entry for this variant (Variation ID: 2200224). Experimental studies and prediction algorithms are not available or were not evaluated, and the functional significance of this variant is currently unknown. In summary, the available evidence is currently insufficient to determine the role of this variant in disease. Therefore, it has been classified as a Variant of Uncertain Significance.